The following is an entry in ClinVar:

NM_005592.4(MUSK):c.1754C>T (p.Ala585Val)

Gene: MUSK (muscle associated receptor tyrosine kinase; plus strand). Cytogenetic location: 9q31.3.
Variant type: single nucleotide variant.
Coding change: c.1754C>T on transcript NM_005592.4 (MANE Select); coding-DNA position 1754, C replaced by T.
Protein change: p.Ala585Val; replaces alanine 585 with valine.
Molecular consequence: missense variant.
Genome position (GRCh38, 1-based): chr9:110,785,694, C>T. VCF-style: chr9-110785694-C-T. GRCh37 (hg19) VCF-style: chr9-113547974-C-T.
Other names: c.1496C>T, p.Ala499Val (NM_001166280.2); c.1466C>T, p.Ala489Val (NM_001166281.2); c.494C>T, p.Ala165Val (NM_001369398.1); short protein forms A585V, A165V, A489V, A499V.
Identifiers: ClinVar variation 569092 (VCV000569092.6), dbSNP rs953823198, ClinGen allele CA198357806.

ClinVar aggregate classification (germline): Uncertain significance (1 of 4 stars; one submission).

Conditions:
Congenital myasthenic syndrome 9. Also called: Myasthenic syndrome, congenital, 9, associated with acetylcholine receptor deficiency. Identifiers: Orphanet 590, MedGen C4225368, MONDO:0014587, OMIM 616325.
Fetal akinesia deformation sequence 1 (FADS1). Also called: Fetal akinesia sequence; Pena-Shokeir syndrome type I. Identifiers: Orphanet 994, MedGen C1276035, MONDO:0100101, OMIM 208150, HP:0001989.

Allele frequency attached by ClinVar (database versions not stated): gnomAD 0.00001; TOPMed 0.00001.
gnomAD v4.1: 5 of 1,601,360 alleles (0.00031%); highest among the groups gnomAD compares: East Asian, 0.0022%; no homozygotes.

Submission:

Labcorp Genetics (formerly Invitae), Labcorp
Classification: Uncertain significance for Congenital myasthenic syndrome 9; Fetal akinesia deformation sequence 1. Last evaluated: 2021-09-01. Review status: criteria provided, single submitter. Criteria: Invitae Variant Classification Sherloc (09022015). Collection method: clinical testing. Allele origin: germline.
Comment: This sequence change replaces alanine with valine at codon 585 of the MUSK protein (p.Ala585Val). The alanine residue is highly conserved and there is a small physicochemical difference between alanine and valine. This variant is not present in population databases (ExAC no frequency). This variant has not been reported in the literature in individuals affected with MUSK-related conditions. Algorithms developed to predict the effect of missense changes on protein structure and function (SIFT, PolyPhen-2, Align-GVGD) all suggest that this variant is likely to be disruptive. In summary, the available evidence is currently insufficient to determine the role of this variant in disease. Therefore, it has been classified as a Variant of Uncertain Significance.